The following is an entry in ClinVar:

ClinVar aggregate classification (germline): Pathogenic (1 of 4 stars; one submission).

Conditions:
Infantile-onset ascending hereditary spastic paralysis (IAHSP). Also called: Autosomal Recessive Juvenile Amyotrophic Lateral Sclerosis; Infantile-Onset Ascending Hereditary Spastic Paralysis (IAHSP). Identifiers: Orphanet 293168, MedGen C2931441, MONDO:0011797, OMIM 607225. Disease mechanism: loss of function.

Allele frequency attached by ClinVar (database versions not stated): gnomAD exomes below 0.00001.
gnomAD v4.1: 2 of 1,613,654 alleles (0.00012%); highest among the groups gnomAD compares: Non-Finnish European, 0.00017%; no homozygotes.

Submission:

Victorian Clinical Genetics Services, Murdoch Childrens Research Institute
Classification: Pathogenic for Infantile-onset ascending hereditary spastic paralysis. Last evaluated: 2022-02-02. Review status: criteria provided, single submitter. Criteria: ACMG Guidelines, 2015. Collection method: clinical testing. Allele origin: germline. Inheritance: Autosomal recessive inheritance. Affected: yes.
Comment: Based on the classification scheme VCGS_Germline_v1.3.4, this variant is classified as Pathogenic. Following criteria are met: 0102 - Loss of function is a known mechanism of disease in this gene and is associated with Juvenile amyotrophic lateral sclerosis 2 (MIM#205100), Juvenile primary lateral sclerosis (MIM#606353) and Infantile onset ascending spastic paralysis (MIM#607225). (I) 0106 - This gene is associated with autosomal recessive disease. (I) 0115 - Variants in this gene are known to have variable expressivity (PMID: 33409823). (I) 0201 - Variant is predicted to cause nonsense-mediated decay (NMD) and loss of protein (premature termination codon is located at least 54 nucleotides upstream of the final exon-exon junction). (SP) 0251 - This variant is heterozygous. (I) 0301 - Variant is absent from gnomAD (both v2 and v3). (SP) 0701 - Other NMD predicted variants comparable to the one identified in this case have very strong previous evidence for pathogenicity (ClinVar). (SP) 0807 - This variant has no previous evidence of pathogenicity. (I) 0905 - No published segregation evidence has been identified for this variant. (I) 1007 - No published functional evidence has been identified for this variant. (I) Legend: (SP) - Supporting pathogenic, (I) - Information, (SB) - Supporting benign

Literature cited by the submitters: PubMed 33409823.

NM_020919.4(ALS2):c.3829A>T (p.Lys1277Ter)

Gene: ALS2 (alsin Rho guanine nucleotide exchange factor ALS2; minus strand). Cytogenetic location: 2q33.1.
Variant type: single nucleotide variant.
Coding change: c.3829A>T on transcript NM_020919.4 (MANE Select); coding-DNA position 3829, A replaced by T.
Protein change: p.Lys1277Ter; replaces lysine 1277 with a stop codon.
Molecular consequence: nonsense.
Genome position (GRCh38, 1-based): chr2:201,718,084, T>A on the plus strand (A>T on the coding strand, the complement: ALS2 is on the minus strand). VCF-style: chr2-201718084-T-A. GRCh37 (hg19) VCF-style: chr2-202582807-T-A.
Other names: c.3829A>T, p.Lys1277Ter (NM_001410975.1); short protein forms K1277*.
Identifiers: ClinVar variation 1805070 (VCV001805070.1), dbSNP rs1690523978, ClinGen allele CA350317795.